The following is an entry in ClinVar:

NM_015215.4(CAMTA1):c.3532C>T (p.Pro1178Ser)

Gene: CAMTA1 (calmodulin binding transcription activator 1; plus strand). Cytogenetic location: 1p36.23.
Variant type: single nucleotide variant.
Coding change: c.3532C>T on transcript NM_015215.4 (MANE Select); coding-DNA position 3532, C replaced by T.
Protein change: p.Pro1178Ser; replaces proline 1178 with serine.
Molecular consequence: missense variant.
Genome position (GRCh38, 1-based): chr1:7,737,444, C>T. VCF-style: chr1-7737444-C-T. GRCh37 (hg19) VCF-style: chr1-7797504-C-T.
Other names: c.3442C>T, p.Pro1148Ser (NM_001349608.2, NM_001349612.2); c.3532C>T, p.Pro1178Ser (NM_001349609.2, NM_001349610.2, NM_001410737.1); c.661C>T, p.Pro221Ser (NM_001349613.1); c.604C>T, p.Pro202Ser (NM_001349614.1, NM_001349625.2, NM_001349626.2 and 10 more transcripts); c.3460C>T, p.Pro1154Ser (NM_001410738.1); short protein forms P1148S, P1154S, P1178S, P202S, P221S.
Identifiers: ClinVar variation 3026593 (VCV003026593.22), dbSNP rs2096780580, ClinGen allele CA338129064.

ClinVar aggregate classification (germline): Uncertain significance (1 of 4 stars; one submission).

Submission:

CeGaT Center for Human Genetics Tuebingen
Classification: Uncertain significance. Last evaluated: 2023-12-01. Review status: criteria provided, single submitter. Criteria: CeGaT Center For Human Genetics Tuebingen Variant Classification Criteria Version 2. Collection method: clinical testing. Allele origin: germline. Affected: yes. Observed: 1 variant allele.
Comment: CAMTA1: PM2, BP4